The following is an entry in ClinVar:

ClinVar aggregate classification (germline): Uncertain significance. Review status: criteria provided, multiple submitters, no conflicts (2 of 4 stars). 3 submissions from 3 submitters: Uncertain significance (3). Last evaluated 2026-04-27.

Conditions:
KCNH1-related disorder. Also called: KCNH1-related disorders; KCNH1-related condition.
Inborn genetic diseases. Identifiers: MedGen C0950123, MeSH D030342.

Allele frequency attached by ClinVar (database versions not stated): gnomAD 0.00001; TOPMed 0.00001.
gnomAD v4.1: 1 of 1,613,990 alleles (0.000062%); highest among the groups gnomAD compares: East Asian, 0.0022%; no homozygotes.

Submissions (3):

Ambry Genetics
Classification: Uncertain significance for Inborn genetic diseases. Last evaluated: 2026-04-27. Review status: criteria provided, single submitter. Criteria: Ambry Variant Classification Scheme 2023. Collection method: clinical testing. Allele origin: germline.

PreventionGenetics, part of Exact Sciences
Classification: Uncertain significance for KCNH1-related condition. Last evaluated: 2025-03-12. Review status: criteria provided, single submitter. Criteria: ACMG Guidelines, 2015. Collection method: clinical testing. Allele origin: germline.
Comment: The KCNH1 c.2375A>G variant is predicted to result in the amino acid substitution p.Glu792Gly. To our knowledge, this variant has not been reported in the literature or in a large population database, indicating this variant is rare. At this time, the clinical significance of this variant is uncertain due to the absence of conclusive functional and genetic evidence.

Labcorp Genetics (formerly Invitae), Labcorp
Classification: Uncertain significance. Last evaluated: 2024-06-24. Review status: criteria provided, single submitter. Criteria: Invitae Variant Classification Sherloc (09022015). Collection method: clinical testing. Allele origin: germline.
Comment: This sequence change replaces glutamic acid, which is acidic and polar, with glycine, which is neutral and non-polar, at codon 792 of the KCNH1 protein (p.Glu792Gly). This variant is not present in population databases (gnomAD no frequency). This variant has not been reported in the literature in individuals affected with KCNH1-related conditions. Advanced modeling of protein sequence and biophysical properties (such as structural, functional, and spatial information, amino acid conservation, physicochemical variation, residue mobility, and thermodynamic stability) performed at Invitae indicates that this missense variant is not expected to disrupt KCNH1 protein function with a negative predictive value of 95%. In summary, the available evidence is currently insufficient to determine the role of this variant in disease. Therefore, it has been classified as a Variant of Uncertain Significance.

NM_172362.3(KCNH1):c.2375A>G (p.Glu792Gly)

Gene: KCNH1 (potassium voltage-gated channel subfamily H member 1; minus strand). Cytogenetic location: 1q32.2.
Variant type: single nucleotide variant.
Coding change: c.2375A>G on transcript NM_172362.3 (MANE Select); coding-DNA position 2375, A replaced by G.
Protein change: p.Glu792Gly; replaces glutamic acid 792 with glycine.
Molecular consequence: missense variant.
Genome position (GRCh38, 1-based): chr1:210,683,876, T>C on the plus strand (A>G on the coding strand, the complement: KCNH1 is on the minus strand). VCF-style: chr1-210683876-T-C. GRCh37 (hg19) VCF-style: chr1-210857218-T-C.
Other names: c.2375A>G (NM_172362.2); c.2294A>G, p.Glu765Gly (NM_002238.4); short protein forms E792G, E765G.
Identifiers: ClinVar variation 2727083 (VCV002727083.5), dbSNP rs1375348530, ClinGen allele CA344871307.
Genomic context (GRCh38, chr1:210,683,876, plus strand): 5'-GCGTGGTCTGGCACCCCGGAGGTGGAGGCTGCCTGGAAGGATACGGGCGTGGCAGGACTC[T>C]CACGCACGGTGACCACGCTGGCCTTCACGAGGCTGTGGTTGGCGGAGGCATGCTCTGTAA-3'
Protein context (NP_758872.1, residues 782-802): LVKASVVTVR[Glu792Gly]SPATPVSFQA